The following is an entry in ClinVar:

NM_001271938.2(MEGF8):c.7705G>A (p.Val2569Ile)

Gene: MEGF8 (multiple EGF like domains 8; plus strand). Cytogenetic location: 19q13.2.
Variant type: single nucleotide variant.
Coding change: c.7705G>A on transcript NM_001271938.2 (MANE Select); coding-DNA position 7705, G replaced by A.
Protein change: p.Val2569Ile; replaces valine 2569 with isoleucine.
Molecular consequence: missense variant.
Genome position (GRCh38, 1-based): chr19:42,375,942, G>A. VCF-style: chr19-42375942-G-A. GRCh37 (hg19) VCF-style: chr19-42880094-G-A.
Other names: c.7504G>A, p.Val2502Ile (NM_001410.3); short protein forms V2502I, V2569I.
Identifiers: ClinVar variation 473348 (VCV000473348.39), dbSNP rs147133204, ClinGen allele CA9476240.

ClinVar aggregate classification (germline): Likely benign. Review status: criteria provided, multiple submitters, no conflicts (2 of 4 stars). 7 submissions from 7 submitters: Likely benign (4). 3 of the submissions do not count toward it. Last evaluated 2026-09-01.

Conditions:
MEGF8-related disorder. Also called: MEGF8-related condition.
MEGF8-related Carpenter syndrome. Also called: Carpenter syndrome 2. Identifiers: Orphanet 65759, MedGen C3554247, MONDO:0013998, OMIM 614976.

Allele frequency attached by ClinVar (database versions not stated): 1000 Genomes Project 0.00100; 1000 Genomes Project 30x 0.00125; ESP Exome Variant Server 0.00201; gnomAD 0.00251 and 0.00253; gnomAD exomes 0.00258 and 0.00413; ExAC 0.00269; TOPMed 0.00283.
gnomAD v4.1: 6,345 of 1,604,188 alleles (0.4%); highest among the groups gnomAD compares: Non-Finnish European, 0.49%; 19 homozygotes.

Submissions (7):

CeGaT Center for Human Genetics Tuebingen
Classification: Likely benign. Last evaluated: 2026-09-01. Review status: criteria provided, single submitter. Criteria: CeGaT Center For Human Genetics Tuebingen Variant Classification Criteria Version 2. Collection method: clinical testing. Allele origin: germline. Affected: yes. Observed: 9 variant alleles.
Comment: MEGF8: BS2

Labcorp Genetics (formerly Invitae), Labcorp
Classification: Likely benign for MEGF8-related Carpenter syndrome. Last evaluated: 2026-01-26. Review status: criteria provided, single submitter. Criteria: Invitae Variant Classification Sherloc (09022015). Collection method: clinical testing. Allele origin: germline.

GeneDx
Classification: Likely benign. Last evaluated: 2019-08-13. Review status: criteria provided, single submitter. Criteria: GeneDx Variant Classification Process June 2021. Collection method: clinical testing. Allele origin: germline. Affected: yes.

Breakthrough Genomics
Classification: Likely benign. Review status: criteria provided, single submitter. Criteria: ACMG Guidelines, 2015. Collection method: not provided. Allele origin: germline. Inheritance: Autosomal recessive inheritance. Affected: yes.

PreventionGenetics, part of Exact Sciences
Classification: Likely benign for MEGF8-related condition. Last evaluated: 2021-05-02. Review status: no assertion criteria provided. Collection method: clinical testing. Allele origin: germline. Not counted in ClinVar's aggregate classification.
Comment: This variant is classified as likely benign based on ACMG/AMP sequence variant interpretation guidelines (Richards et al. 2015 PMID: 25741868, with internal and published modifications).

Clinical Genetics DNA and cytogenetics Diagnostics Lab, Erasmus MC, Erasmus Medical Center
Classification: Likely benign. Review status: no assertion criteria provided. Collection method: clinical testing. Allele origin: germline. Affected: yes. Study: VKGL Data-share Consensus. Not counted in ClinVar's aggregate classification.

Laboratory of Diagnostic Genome Analysis, Leiden University Medical Center (LUMC)
Classification: Likely benign. Review status: no assertion criteria provided. Collection method: clinical testing. Allele origin: germline. Affected: yes. Study: VKGL Data-share Consensus. Not counted in ClinVar's aggregate classification.